The following is an entry in ClinVar:

ClinVar aggregate classification (germline): Likely benign (1 of 4 stars; one submission).

gnomAD v4.1: 13 of 1,596,692 alleles (0.00081%); highest among the groups gnomAD compares: Non-Finnish European, 0.001%; no homozygotes.

Submission:

CeGaT Center for Human Genetics Tuebingen
Classification: Likely benign. Last evaluated: 2025-12-01. Review status: criteria provided, single submitter. Criteria: CeGaT Center For Human Genetics Tuebingen Variant Classification Criteria Version 2. Collection method: clinical testing. Allele origin: germline. Affected: yes. Observed: 1 variant allele.
Comment: TECR: BP4, BP7

NM_138501.6(TECR):c.900C>A (p.Arg300=)

Gene: TECR (trans-2,3-enoyl-CoA reductase; plus strand). Cytogenetic location: 19p13.12.
Variant type: single nucleotide variant.
Coding change: c.900C>A on transcript NM_138501.6 (MANE Select); coding-DNA position 900, C replaced by A.
Protein change: p.Arg300=; no amino-acid change (arginine 300 retained).
Molecular consequence: synonymous variant. On other transcripts: non-coding transcript variant (2).
Genome position (GRCh38, 1-based): chr19:14,565,844, C>A. VCF-style: chr19-14565844-C-A. GRCh37 (hg19) VCF-style: chr19-14676656-C-A.
Other names: c.945C>A, p.Arg315= (NM_001321170.1).
Identifiers: ClinVar variation 4681619 (VCV004681619.5).